The following is an entry in ClinVar:

ClinVar aggregate classification (germline): Conflicting classifications of pathogenicity. Review status: criteria provided, conflicting classifications (1 of 4 stars). 8 submissions from 8 submitters: Uncertain significance (1); Likely benign (5). 2 of the submissions do not count toward it. Last evaluated 2025-12-28.

Conditions:
Familial thoracic aortic aneurysm and aortic dissection (TAAD). Also called: Thoracic aortic aneurysms and dissections. Identifiers: Orphanet 91387, MedGen C4707243, MONDO:0019625.
Aortic aneurysm, familial thoracic 4 (AAT4). Also called: AORTIC ANEURYSM/AORTIC DISSECTION AND PATENT DUCTUS ARTERIOSUS. Identifiers: MedGen C1851504, MONDO:0007568, OMIM 132900.

Allele frequency attached by ClinVar (database versions not stated): gnomAD 0.00001 and 0.00007; TOPMed 0.00005; gnomAD exomes 0.00029; ExAC 0.00032.
gnomAD v4.1: 277 of 1,614,140 alleles (0.017%); highest among the groups gnomAD compares: Middle Eastern, 0.31%; 5 homozygotes.

Submissions (8):

Labcorp Genetics (formerly Invitae), Labcorp
Classification: Likely benign for Aortic aneurysm, familial thoracic 4. Last evaluated: 2025-12-28. Review status: criteria provided, single submitter. Criteria: Invitae Variant Classification Sherloc (09022015). Collection method: clinical testing. Allele origin: germline.

Women's Health and Genetics/Laboratory Corporation of America, LabCorp
Classification: Likely benign. Last evaluated: 2024-11-29. Review status: criteria provided, single submitter. Criteria: LabCorp Variant Classification Summary - May 2015. Collection method: clinical testing. Allele origin: germline.

Blueprint Genetics
Classification: Likely benign. Last evaluated: 2024-08-26. Review status: criteria provided, single submitter. Criteria: ACMG Guidelines, 2015. Collection method: clinical testing. Allele origin: germline.

GeneDx
Classification: Likely benign. Last evaluated: 2020-08-28. Review status: criteria provided, single submitter. Criteria: GeneDx Variant Classification Process June 2021. Collection method: clinical testing. Allele origin: germline. Affected: yes.

Color Diagnostics, LLC DBA Color Health
Classification: Likely benign for Familial thoracic aortic aneurysm and aortic dissection. Last evaluated: 2018-10-18. Review status: criteria provided, single submitter. Criteria: ACMG Guidelines, 2015. Collection method: clinical testing. Allele origin: germline.

Ambry Genetics
Classification: Uncertain significance for Familial thoracic aortic aneurysm and aortic dissection. Last evaluated: 2017-04-04. Review status: criteria provided, single submitter. Criteria: Ambry Variant Classification Scheme 2023. Collection method: clinical testing. Allele origin: germline.
Comment: The p.I1304L variant (also known as c.3910A>C), located in coding exon 28 of the MYH11 gene, results from an A to C substitution at nucleotide position 3910. The isoleucine at codon 1304 is replaced by leucine, an amino acid with highly similar properties, and is located in the coiled coil domain. This amino acid position is highly conserved in available vertebrate species. In addition, this alteration is predicted to be tolerated by in silico analysis. Since supporting evidence is limited at this time, the clinical significance of this alteration remains unclear.

Clinical Genetics DNA and cytogenetics Diagnostics Lab, Erasmus MC, Erasmus Medical Center
Classification: Uncertain significance. Review status: no assertion criteria provided. Collection method: clinical testing. Allele origin: germline. Affected: yes. Study: VKGL Data-share Consensus. Not counted in ClinVar's aggregate classification.

Laboratory of Diagnostic Genome Analysis, Leiden University Medical Center (LUMC)
Classification: Uncertain significance. Review status: no assertion criteria provided. Collection method: clinical testing. Allele origin: germline. Affected: yes. Study: VKGL Data-share Consensus. Not counted in ClinVar's aggregate classification.

NM_002474.3(MYH11):c.3910A>C (p.Ile1304Leu)

Genes: MYH11 (myosin heavy chain 11; minus strand), NDE1 (nudE neurodevelopment protein 1; plus strand). Cytogenetic location: 16p13.11.
Variant type: single nucleotide variant.
Coding change: c.3910A>C on transcript NM_002474.3 (MANE Select); coding-DNA position 3910, A replaced by C.
Protein change: p.Ile1304Leu; replaces isoleucine 1304 with leucine.
Molecular consequence: missense variant. On other transcripts: 3 prime UTR variant (2).
Genome position (GRCh38, 1-based): chr16:15,724,941, T>G on the plus strand (A>C on the coding strand, the complement: MYH11 is on the minus strand). VCF-style: chr16-15724941-T-G. GRCh37 (hg19) VCF-style: chr16-15818798-T-G.
Other names: c.3931A>C, p.Ile1311Leu (NM_001040113.2, NM_001040114.2); c.3910A>C, p.Ile1304Leu (NM_022844.3); c.*690T>G (NM_001143979.2, NM_017668.3); short protein forms I1304L, I1311L.
Identifiers: ClinVar variation 263686 (VCV000263686.40), dbSNP rs200737737, ClinGen allele CA7921840.